The following is an entry in ClinVar:

ClinVar aggregate classification (germline): Likely benign (1 of 4 stars; one submission).

Allele frequency attached by ClinVar (database versions not stated): TOPMed 0.00024; ExAC 0.00034; gnomAD 0.00057; gnomAD exomes 0.00095; 1000 Genomes Project 30x 0.00187; 1000 Genomes Project 0.00240.
gnomAD v4.1: 1,469 of 1,614,196 alleles (0.091%); highest among the groups gnomAD compares: East Asian, 3.1%; 44 homozygotes.

Submission:

CeGaT Center for Human Genetics Tuebingen
Classification: Likely benign. Last evaluated: 2023-03-01. Review status: criteria provided, single submitter. Criteria: CeGaT Center For Human Genetics Tuebingen Variant Classification Criteria Version 2. Collection method: clinical testing. Allele origin: germline. Affected: yes. Observed: 1 variant allele.
Comment: EIF4G1: BP4, BP7, BS2

NM_198241.3(EIF4G1):c.4464T>C (p.Tyr1488=)

Gene: EIF4G1 (eukaryotic translation initiation factor 4 gamma 1; plus strand). Cytogenetic location: 3q27.1.
Variant type: single nucleotide variant.
Coding change: c.4464T>C on transcript NM_198241.3 (MANE Select); coding-DNA position 4464, T replaced by C.
Protein change: p.Tyr1488=; no amino-acid change (tyrosine 1488 retained).
Molecular consequence: synonymous variant.
Genome position (GRCh38, 1-based): chr3:184,331,796, T>C. VCF-style: chr3-184331796-T-C. GRCh37 (hg19) VCF-style: chr3-184049584-T-C.
Other names: c.4485T>C, p.Tyr1495= (NM_001194946.2, NM_001194947.2); c.4344T>C, p.Tyr1448= (NM_001291157.2); c.3879T>C, p.Tyr1293= (NM_004953.5); c.4467T>C, p.Tyr1489= (NM_182917.4); c.3972T>C, p.Tyr1324= (NM_198242.3); c.4203T>C, p.Tyr1401= (NM_198244.3).
Identifiers: ClinVar variation 2654318 (VCV002654318.24), dbSNP rs74380401, ClinGen allele CA2733152.
Genomic context (GRCh38, chr3:184,331,796, plus strand): 5'-GAGTGAGCAGCAGATAGTATCCAACACGTTAGTTCGAGCCCTCATGACGGCTGTCTGCTA[T>C]TCTGCAATTATTTGTAAGAGGAACCAGGGAGATGGAGGGGCAAGGGTGGGCCTGACAGAC-3'
Protein context (NP_937884.2, residues 1478-1498): LVRALMTAVC[Tyr1488=]SAIIFETPLR